The following is an entry in ClinVar:

NM_003664.5(AP3B1):c.813G>T (p.Lys271Asn)

Gene: AP3B1 (adaptor related protein complex 3 subunit beta 1; minus strand). Cytogenetic location: 5q14.1.
Variant type: single nucleotide variant.
Coding change: c.813G>T on transcript NM_003664.5 (MANE Select); coding-DNA position 813, G replaced by T.
Protein change: p.Lys271Asn; replaces lysine 271 with asparagine.
Molecular consequence: missense variant.
Genome position (GRCh38, 1-based): chr5:78,181,636, C>A on the plus strand (G>T on the coding strand, the complement: AP3B1 is on the minus strand). VCF-style: chr5-78181636-C-A. GRCh37 (hg19) VCF-style: chr5-77477460-C-A.
Other names: c.666G>T, p.Lys222Asn (NM_001271769.2); short protein forms K222N, K271N.
Identifiers: ClinVar variation 937947 (VCV000937947.9), dbSNP rs914618490, ClinGen allele CA121094740.

ClinVar aggregate classification (germline): Uncertain significance (1 of 4 stars; one submission).

Conditions:
Hermansky-Pudlak syndrome 2 (HPS2). Also called: Platelet defects and oculocutaneous albinism. Identifiers: Orphanet 183678, Orphanet 79430, MedGen C1842362, MONDO:0011997, OMIM 608233.

Allele frequency attached by ClinVar (database versions not stated): TOPMed 0.00003; gnomAD 0.00001; gnomAD exomes 0.00001 and 0.00002.
gnomAD v4.1: 11 of 1,612,052 alleles (0.00068%); highest among the groups gnomAD compares: African/African-American, 0.0013%; no homozygotes.

Submission:

Labcorp Genetics (formerly Invitae), Labcorp
Classification: Uncertain significance for Hermansky-Pudlak syndrome 2. Last evaluated: 2024-08-21. Review status: criteria provided, single submitter. Criteria: Invitae Variant Classification Sherloc (09022015). Collection method: clinical testing. Allele origin: germline.
Comment: This sequence change replaces lysine, which is basic and polar, with asparagine, which is neutral and polar, at codon 271 of the AP3B1 protein (p.Lys271Asn). This variant is present in population databases (no rsID available, gnomAD 0.004%). This variant has not been reported in the literature in individuals affected with AP3B1-related conditions. ClinVar contains an entry for this variant (Variation ID: 937947). An algorithm developed to predict the effect of missense changes on protein structure and function (PolyPhen-2) suggests that this variant is likely to be tolerated. In summary, the available evidence is currently insufficient to determine the role of this variant in disease. Therefore, it has been classified as a Variant of Uncertain Significance.